The following is an entry in ClinVar:

ClinVar aggregate classification (germline): Conflicting classifications of pathogenicity. Review status: criteria provided, conflicting classifications (1 of 4 stars). 3 submissions from 3 submitters: Likely pathogenic (2); Uncertain significance (1). Last evaluated 2025-11-11.

Conditions:
TULP1-related disorder. Also called: TULP1-related condition; TULP1-related disorders.

Allele frequency attached by ClinVar (database versions not stated): gnomAD exomes below 0.00001.
gnomAD v4.1: 2 of 1,614,164 alleles (0.00012%); highest among the groups gnomAD compares: Non-Finnish European, 0.00017%; no homozygotes.

Submissions (3):

PreventionGenetics, part of Exact Sciences
Classification: Uncertain significance for TULP1-related condition. Last evaluated: 2025-11-11. Review status: criteria provided, single submitter. Criteria: ACMG Guidelines, 2015. Collection method: clinical testing. Allele origin: germline.
Comment: The TULP1 c.1016G>T variant is predicted to result in the amino acid substitution p.Gly339Val. To our knowledge, this variant has not been reported in the literature or in a large population database (gnomAD), indicating this variant is rare. At this time, the clinical significance of this variant is uncertain due to the absence of conclusive functional and genetic evidence.

Labcorp Genetics (formerly Invitae), Labcorp
Classification: Likely pathogenic. Last evaluated: 2023-11-07. Review status: criteria provided, single submitter. Criteria: Invitae Variant Classification Sherloc (09022015). Collection method: clinical testing. Allele origin: germline.
Comment: This sequence change replaces glycine, which is neutral and non-polar, with valine, which is neutral and non-polar, at codon 339 of the TULP1 protein (p.Gly339Val). This variant is not present in population databases (gnomAD no frequency). This missense change has been observed in individual(s) with clinical features of TULP1-related conditions (Invitae). In at least one individual the data is consistent with being in trans (on the opposite chromosome) from a pathogenic variant. ClinVar contains an entry for this variant (Variation ID: 865794). Advanced modeling of protein sequence and biophysical properties (such as structural, functional, and spatial information, amino acid conservation, physicochemical variation, residue mobility, and thermodynamic stability) performed at Invitae indicates that this missense variant is expected to disrupt TULP1 protein function with a positive predictive value of 95%. In summary, the currently available evidence indicates that the variant is pathogenic, but additional data are needed to prove that conclusively. Therefore, this variant has been classified as Likely Pathogenic.

Blueprint Genetics
Classification: Likely pathogenic for TULP1-related disorders. Last evaluated: 2022-04-07. Review status: criteria provided, single submitter. Criteria: ACMG Guidelines, 2015. Collection method: clinical testing. Allele origin: germline. Affected: yes. Observed: 4 variant alleles.

NM_003322.6(TULP1):c.1016G>T (p.Gly339Val)

Gene: TULP1 (TUB like protein 1; minus strand). Cytogenetic location: 6p21.31.
Variant type: single nucleotide variant.
Coding change: c.1016G>T on transcript NM_003322.6 (MANE Select); coding-DNA position 1016, G replaced by T.
Protein change: p.Gly339Val; replaces glycine 339 with valine.
Molecular consequence: missense variant.
Genome position (GRCh38, 1-based): chr6:35,505,837, C>A on the plus strand (G>T on the coding strand, the complement: TULP1 is on the minus strand). VCF-style: chr6-35505837-C-A. GRCh37 (hg19) VCF-style: chr6-35473614-C-A.
Other names: c.857G>T, p.Gly286Val (NM_001289395.2); short protein forms G339V, G286V.
Identifiers: ClinVar variation 865794 (VCV000865794.10), dbSNP rs1761069157, ClinGen allele CA363779860.
Genomic context (GRCh38, chr6:35,505,837, plus strand): 5'-AGATTGGTAGGGTCGATGGAGATGAGGTAATTGGCTGTCTTGCTCCGTTTTCGTTTCCTG[C>A]CAGCCAAGAGGAACACCTGGGGAAAAGGGGAGACAGGTGAGAGGATGGGAAGAGAAGGTG-3'
Protein context (NP_003313.3, residues 329-349): DTEKKVFLLA[Gly339Val]RKRKRSKTAN